The following is an entry in ClinVar:

ClinVar aggregate classification (germline): Uncertain significance (1 of 4 stars; one submission).

gnomAD v4.1: 3 of 1,613,988 alleles (0.00019%); highest among the groups gnomAD compares: South Asian, 0.0033%; no homozygotes.

Submission:

Labcorp Genetics (formerly Invitae), Labcorp
Classification: Uncertain significance. Last evaluated: 2023-10-10. Review status: criteria provided, single submitter. Criteria: Invitae Variant Classification Sherloc (09022015). Collection method: clinical testing. Allele origin: germline.
Comment: This sequence change replaces alanine, which is neutral and non-polar, with serine, which is neutral and polar, at codon 2629 of the DCHS1 protein (p.Ala2629Ser). This variant is present in population databases (no rsID available, gnomAD 0.003%). This variant has not been reported in the literature in individuals affected with DCHS1-related conditions. Advanced modeling of protein sequence and biophysical properties (such as structural, functional, and spatial information, amino acid conservation, physicochemical variation, residue mobility, and thermodynamic stability) has been performed at Invitae for this missense variant, however the output from this modeling did not meet the statistical confidence thresholds required to predict the impact of this variant on DCHS1 protein function. In summary, the available evidence is currently insufficient to determine the role of this variant in disease. Therefore, it has been classified as a Variant of Uncertain Significance.

NM_003737.4(DCHS1):c.7885G>T (p.Ala2629Ser)

Gene: DCHS1 (dachsous cadherin-related 1; minus strand). Cytogenetic location: 11p15.4.
Variant type: single nucleotide variant.
Coding change: c.7885G>T on transcript NM_003737.4 (MANE Select); coding-DNA position 7885, G replaced by T.
Protein change: p.Ala2629Ser; replaces alanine 2629 with serine.
Molecular consequence: missense variant.
Genome position (GRCh38, 1-based): chr11:6,623,791, C>A on the plus strand (G>T on the coding strand, the complement: DCHS1 is on the minus strand). VCF-style: chr11-6623791-C-A. GRCh37 (hg19) VCF-style: chr11-6645022-C-A.
Other names: short protein forms A2629S.
Identifiers: ClinVar variation 2895117 (VCV002895117.3), dbSNP rs777477554, ClinGen allele CA379482169.